The following is an entry in ClinVar:

ClinVar aggregate classification (germline): Likely benign. Review status: criteria provided, multiple submitters, no conflicts (2 of 4 stars). 3 submissions from 3 submitters: Likely benign (3). Last evaluated 2025-11-22.

Allele frequency attached by ClinVar (database versions not stated): gnomAD 0.00004; TOPMed 0.00004; gnomAD exomes 0.00006; ExAC 0.00008.
gnomAD v4.1: 83 of 1,605,076 alleles (0.0052%); highest among the groups gnomAD compares: Admixed American, 0.02%; no homozygotes.

Submissions (3):

Labcorp Genetics (formerly Invitae), Labcorp
Classification: Likely benign. Last evaluated: 2025-11-22. Review status: criteria provided, single submitter. Criteria: Invitae Variant Classification Sherloc (09022015). Collection method: clinical testing. Allele origin: germline.

Blueprint Genetics
Classification: Likely benign. Last evaluated: 2024-10-10. Review status: criteria provided, single submitter. Criteria: ACMG Guidelines, 2015. Collection method: clinical testing. Allele origin: germline.

CeGaT Center for Human Genetics Tuebingen
Classification: Likely benign. Last evaluated: 2022-03-01. Review status: criteria provided, single submitter. Criteria: CeGaT Center For Human Genetics Tuebingen Variant Classification Criteria Version 2. Collection method: clinical testing. Allele origin: germline. Affected: yes. Observed: 1 variant allele.
Comment: PEPD: BP4, BP7

NM_000285.4(PEPD):c.366C>T (p.Ala122=)

Gene: PEPD (peptidase D; minus strand). Cytogenetic location: 19q13.11.
Variant type: single nucleotide variant.
Coding change: c.366C>T on transcript NM_000285.4 (MANE Select); coding-DNA position 366, C replaced by T.
Protein change: p.Ala122=; no amino-acid change (alanine 122 retained).
Molecular consequence: synonymous variant. On other transcripts: intron variant (1).
Genome position (GRCh38, 1-based): chr19:33,500,965, G>A on the plus strand (C>T on the coding strand, the complement: PEPD is on the minus strand). VCF-style: chr19-33500965-G-A. GRCh37 (hg19) VCF-style: chr19-33991871-G-A.
Other names: c.366C>T, p.Ala122= (NM_001166056.2); c.202-7628C>T (NM_001166057.2).
Identifiers: ClinVar variation 1537632 (VCV001537632.32), dbSNP rs201145610, ClinGen allele CA9364397.
Genomic context (GRCh38, chr19:33,500,965, plus strand): 5'-CTGGGCTGCTCAGAGGAGGAGCCGGCTACCCACCTCATCTACGTACTGGACGTCGTCCAC[G>A]GCATACTTCTCCTTGAAGTGCTCCTTGGAATGGATCCTCAAAGAAAAGCACAAGGAATAT-3'
Protein context (NP_000276.2, residues 112-132): HSKEHFKEKY[Ala122=]VDDVQYVDEI